The following is an entry in ClinVar:

NM_194454.3(KRIT1):c.1255-1G>A

Gene: KRIT1 (KRIT1 ankyrin repeat containing; minus strand). Cytogenetic location: 7q21.2.
Variant type: single nucleotide variant.
Coding change: c.1255-1G>A on transcript NM_194454.3 (MANE Select); the canonical splice acceptor site of the intron before coding-DNA position 1255, G replaced by A.
Molecular consequence: splice acceptor variant.
Genome position (GRCh38, 1-based): chr7:92,222,979, C>T on the plus strand (G>A on the coding strand, the complement: KRIT1 is on the minus strand). VCF-style: chr7-92222979-C-T. GRCh37 (hg19) VCF-style: chr7-91852293-C-T.
Other names: c.1255-1G>A (NM_001350672.1, NM_001350676.1, NM_001350673.1 and 26 more transcripts); c.1111-1G>A (NM_001350669.1, NM_001013406.2, NM_001350670.1); c.541-1G>A (NM_001350671.1).
Identifiers: ClinVar variation 590694 (VCV000590694.8), dbSNP rs1563267100, ClinGen allele CA368148498.

ClinVar aggregate classification (germline): Pathogenic. Review status: criteria provided, multiple submitters, no conflicts (2 of 4 stars). 3 submissions from 3 submitters: Pathogenic (3). Last evaluated 2026-01-28.

Conditions:
KRIT1-related disorder. Also called: KRIT1-related disorders; KRIT1-related condition.
Cerebral cavernous malformation (CCM). Also called: Cavernous Hemangioma of Brain; Cerebral cavernous malformations; CAVERNOUS ANGIOMA, FAMILIAL; CAVERNOUS ANGIOMATOUS MALFORMATIONS; CEREBRAL CAPILLARY MALFORMATIONS; Cerebral cavernous hemangioma (type). Identifiers: Orphanet 221061, MedGen C2919945, MONDO:0000820, OMIM 116860, HP:0033522.

Submissions (3):

Labcorp Genetics (formerly Invitae), Labcorp
Classification: Pathogenic for Cerebral cavernous malformation. Last evaluated: 2026-01-28. Review status: criteria provided, single submitter. Criteria: Invitae Variant Classification Sherloc (09022015). Collection method: clinical testing. Allele origin: germline.
Comment: This sequence change affects an acceptor splice site in intron 13 of the KRIT1 gene. It is expected to disrupt RNA splicing. Variants that disrupt the donor or acceptor splice site typically lead to a loss of protein function (PMID: 16199547), and loss-of-function variants in KRIT1 are known to be pathogenic (PMID: 10508515, 11222804, 12404106, 24689081). This variant is not present in population databases (gnomAD no frequency). Disruption of this splice site has been observed in individual(s) with CCM (PMID: 12404106). ClinVar contains an entry for this variant (Variation ID: 590694). Algorithms developed to predict the effect of sequence changes on RNA splicing suggest that this variant may disrupt the consensus splice site. For these reasons, this variant has been classified as Pathogenic.

Blueprint Genetics
Classification: Pathogenic for KRIT1-related disorders. Last evaluated: 2022-09-20. Review status: criteria provided, single submitter. Criteria: ACMG Guidelines, 2015. Collection method: clinical testing. Allele origin: germline. Affected: yes. Observed: 5 variant alleles.

PreventionGenetics, part of Exact Sciences
Classification: Pathogenic. Last evaluated: 2018-03-19. Review status: criteria provided, single submitter. Criteria: ACMG Guidelines, 2015. Collection method: clinical testing. Allele origin: germline.

Literature cited by the submitters: PubMed 16199547 (cited by Labcorp Genetics (formerly Invitae), Labcorp); PubMed 10508515 (cited by Labcorp Genetics (formerly Invitae), Labcorp); PubMed 11222804 (cited by Labcorp Genetics (formerly Invitae), Labcorp); PubMed 12404106 (cited by Labcorp Genetics (formerly Invitae), Labcorp); PubMed 24689081 (cited by Labcorp Genetics (formerly Invitae), Labcorp).